The following is an entry in ClinVar:

NM_004006.3(DMD):c.10797+82G>A

Gene: DMD (dystrophin; minus strand). Cytogenetic location: Xp21.2.
Variant type: single nucleotide variant.
Coding change: c.10797+82G>A on transcript NM_004006.3 (MANE Select); 82 bases into the intron after coding-DNA position 10797, G replaced by A.
Molecular consequence: intron variant.
Genome position (GRCh38, 1-based): chrX:31,147,193, C>T on the plus strand (G>A on the coding strand, the complement: DMD is on the minus strand). VCF-style: chrX-31147193-C-T. GRCh37 (hg19) VCF-style: chrX-31165310-C-T.
Other names: c.10773+82G>A (NM_000109.4); c.6774+82G>A (NM_004011.4); c.6765+82G>A (NM_004012.4); c.3087+82G>A (NM_004023.3, NM_004020.4); c.3378+82G>A (NM_004022.3); c.3417+82G>A (NM_004021.3, NM_004013.3); c.2610+82G>A (NM_004014.3); c.1554+82G>A (NM_004018.3, NM_004017.3); and 3 more.
Identifiers: ClinVar variation 671292 (VCV000671292.2), dbSNP rs1484852, ClinGen allele CA328402831.

ClinVar aggregate classification (germline): Benign. Review status: criteria provided, multiple submitters, no conflicts (2 of 4 stars). 2 submissions from 2 submitters: Benign (2). Last evaluated 2018-06-15.

Allele frequency attached by ClinVar (database versions not stated): TOPMed 0.12157; gnomAD 0.12268; gnomAD exomes 0.14886; 1000 Genomes Project 30x 0.17752; 1000 Genomes Project 0.18543.
gnomAD v4.1: 171,595 of 1,170,599 alleles (15%); highest among the groups gnomAD compares: East Asian, 43%; 10,010 homozygotes.

Submissions (2):

GeneDx
Classification: Benign. Last evaluated: 2018-06-15. Review status: criteria provided, single submitter. Criteria: GeneDx Variant Classification (06012015). Collection method: clinical testing. Allele origin: germline. Affected: yes.
Comment: This variant is considered likely benign or benign based on one or more of the following criteria: it is a conservative change, it occurs at a poorly conserved position in the protein, it is predicted to be benign by multiple in silico algorithms, and/or has population frequency not consistent with disease.

Breakthrough Genomics
Classification: Benign. Review status: criteria provided, single submitter. Criteria: ACMG Guidelines, 2015. Collection method: not provided. Allele origin: germline. Inheritance: X-linked inheritance. Affected: yes.